The following is an entry in ClinVar:

ClinVar aggregate classification (germline): Uncertain significance (1 of 4 stars; one submission).

Allele frequency attached by ClinVar (database versions not stated): gnomAD exomes below 0.00001 and 0.00588; TOPMed 0.00002; gnomAD 0.00004.

Submission:

Labcorp Genetics (formerly Invitae), Labcorp
Classification: Uncertain significance. Last evaluated: 2024-09-29. Review status: criteria provided, single submitter. Criteria: Invitae Variant Classification Sherloc (09022015). Collection method: clinical testing. Allele origin: germline.
Comment: This sequence change replaces proline, which is neutral and non-polar, with leucine, which is neutral and non-polar, at codon 81 of the FOXI3 protein (p.Pro81Leu). This variant is present in population databases (no rsID available, gnomAD 0.02%). This variant has not been reported in the literature in individuals affected with FOXI3-related conditions. ClinVar contains an entry for this variant (Variation ID: 1448330). Experimental studies and prediction algorithms are not available or were not evaluated, and the functional significance of this variant is currently unknown. In summary, the available evidence is currently insufficient to determine the role of this variant in disease. Therefore, it has been classified as a Variant of Uncertain Significance.

NM_001135649.3(FOXI3):c.242C>T (p.Pro81Leu)

Gene: FOXI3 (forkhead box I3; minus strand). Cytogenetic location: 2p11.2.
Variant type: single nucleotide variant.
Coding change: c.242C>T on transcript NM_001135649.3 (MANE Select); coding-DNA position 242, C replaced by T.
Protein change: p.Pro81Leu; replaces proline 81 with leucine.
Molecular consequence: missense variant.
Genome position (GRCh38, 1-based): chr2:88,452,294, G>A on the plus strand (C>T on the coding strand, the complement: FOXI3 is on the minus strand). VCF-style: chr2-88452294-G-A. GRCh37 (hg19) VCF-style: chr2-88751812-G-A.
Other names: short protein forms P81L.
Identifiers: ClinVar variation 1448330 (VCV001448330.6), dbSNP rs1462451647, ClinGen allele CA347766763.